The following is an entry in ClinVar:

ClinVar aggregate classification (germline): Uncertain significance (1 of 4 stars; one submission).

Conditions:
Neurodevelopmental disorder. Identifiers: MedGen C1535926, MeSH D065886, MONDO:0700092.

Allele frequency attached by ClinVar (database versions not stated): gnomAD 0.00001; gnomAD exomes 0.00001; TOPMed 0.00002; ExAC 0.00003; ESP Exome Variant Server 0.00008.
gnomAD v4.1: 22 of 1,613,856 alleles (0.0014%); highest among the groups gnomAD compares: South Asian, 0.018%; 1 homozygote.

Submission:

SIB Swiss Institute of Bioinformatics
Classification: Uncertain significance for Neurodevelopmental disorder. Last evaluated: 2024-03-18. Review status: criteria provided, single submitter. Criteria: ACMG Guidelines, 2015. Collection method: curation. Allele origin: unknown. Affected: yes.
Comment: This variant is interpreted for neurodevelopmental disorder, autosomal recessive. The following ACMG Tag(s) were applied: Cosegregation with disease in multiple affected family members (PP1). Missense variant in a gene that has a low rate of benign missense variation and in which missense variants are a common mechanism of disease (PP2).

Literature cited by the submitters: PubMed 38160741.

NM_015378.4(VPS13D):c.5723T>C (p.Ile1908Thr)

Gene: VPS13D (vacuolar protein sorting 13 homolog D; plus strand). Cytogenetic location: 1p36.22.
Variant type: single nucleotide variant.
Coding change: c.5723T>C on transcript NM_015378.4 (MANE Select); coding-DNA position 5723, T replaced by C.
Protein change: p.Ile1908Thr; replaces isoleucine 1908 with threonine.
Molecular consequence: missense variant.
Genome position (GRCh38, 1-based): chr1:12,288,311, T>C. VCF-style: chr1-12288311-T-C. GRCh37 (hg19) VCF-style: chr1-12348368-T-C.
Other names: c.5723T>C, p.Ile1908Thr (NM_018156.4); short protein forms I1908T.
Identifiers: ClinVar variation 3062029 (VCV003062029.1), dbSNP rs376670648, ClinGen allele CA602387.